The following is an entry in ClinVar:

NM_000260.4(MYO7A):c.2077_2078delinsT (p.Lys693fs)

Gene: MYO7A (myosin VIIA; plus strand). Cytogenetic location: 11q13.5.
Variant type: Indel.
Coding change: c.2077_2078delinsT on transcript NM_000260.4 (MANE Select); coding-DNA positions 2077 to 2078, AA replaced by T.
Protein change: p.Lys693fs; shifts the reading frame from lysine 693.
Molecular consequence: frameshift variant.
Genome position (GRCh38, 1-based): chr11:77,174,897-77,174,898, AA replaced by T. VCF-style: chr11-77174897-AA-T. GRCh37 (hg19) VCF-style: chr11-76885943-AA-T.
Other names: c.2077_2078delinsT, p.Lys693fs (NM_001127180.2); c.2044_2045delinsT, p.Lys682fs (NM_001369365.1); short protein forms K682fs, K693fs.
Identifiers: ClinVar variation 1725871 (VCV001725871.2), dbSNP rs2497079129, ClinGen allele CA2580084925.

ClinVar aggregate classification (germline): Likely pathogenic (1 of 4 stars; one submission).

Conditions:
Usher syndrome type 1 (USH1). Also called: RETINITIS PIGMENTOSA AND CONGENITAL DEAFNESS. Identifiers: Orphanet 231169, Orphanet 886, MedGen C1568247, MONDO:0010168, OMIM 276900.

Submission:

Myriad Genetics, Inc.
Classification: Likely pathogenic for Usher syndrome type 1. Last evaluated: 2022-04-04. Review status: criteria provided, single submitter. Criteria: Myriad Women's Health Autosomal Recessive and X-Linked Classification Criteria (2021). Collection method: clinical testing. Allele origin: unknown.
Comment: NM_000260.3(MYO7A):c.2077_2078delAAinsT(K693Cfs*29) is expected to be pathogenic in the context of MYO7A-related disorders. This variant is predicted to lead to an abnormal or absent protein product due to the creation of a premature termination codon in MYO7A, a gene where loss-of-function variants are known to be pathogenic. Please note: this variant was assessed in the context of healthy population screening.